The following is an entry in ClinVar:

ClinVar aggregate classification (germline): Uncertain significance (1 of 4 stars; one submission).

Allele frequency attached by ClinVar (database versions not stated): gnomAD 0.00001.

Submission:

Labcorp Genetics (formerly Invitae), Labcorp
Classification: Uncertain significance. Last evaluated: 2020-10-19. Review status: criteria provided, single submitter. Criteria: Invitae Variant Classification Sherloc (09022015). Collection method: clinical testing. Allele origin: germline.
Comment: This sequence change replaces asparagine with lysine at codon 177 of the C1QC protein (p.Asn177Lys). The asparagine residue is highly conserved and there is a moderate physicochemical difference between asparagine and lysine. This variant is present in population databases (rs750769493, ExAC 0.01%). This variant has not been reported in the literature in individuals with C1QC-related conditions. Algorithms developed to predict the effect of missense changes on protein structure and function (SIFT, PolyPhen-2, Align-GVGD) all suggest that this variant is likely to be tolerated, but these predictions have not been confirmed by published functional studies and their clinical significance is uncertain. In summary, the available evidence is currently insufficient to determine the role of this variant in disease. Therefore, it has been classified as a Variant of Uncertain Significance.

NM_172369.5(C1QC):c.531C>A (p.Asn177Lys)

Gene: C1QC (complement C1q C chain; plus strand). Cytogenetic location: 1p36.12.
Variant type: single nucleotide variant.
Coding change: c.531C>A on transcript NM_172369.5 (MANE Select); coding-DNA position 531, C replaced by A.
Protein change: p.Asn177Lys; replaces asparagine 177 with lysine.
Molecular consequence: missense variant.
Genome position (GRCh38, 1-based): chr1:22,647,576, C>A. VCF-style: chr1-22647576-C-A. GRCh37 (hg19) VCF-style: chr1-22974069-C-A.
Other names: c.531C>A, p.Asn177Lys (NM_001114101.3, NM_001347619.2); c.264C>A, p.Asn88Lys (NM_001347620.2); short protein forms N177K, N88K.
Identifiers: ClinVar variation 1485452 (VCV001485452.8), dbSNP rs750769493, ClinGen allele CA678004.